The following is an entry in ClinVar:

NM_032043.3(BRIP1):c.1705G>A (p.Gly569Arg)

Gene: BRIP1 (BRCA1 interacting DNA helicase 1; minus strand). Cytogenetic location: 17q23.2.
Variant type: single nucleotide variant.
Coding change: c.1705G>A on transcript NM_032043.3 (MANE Select); coding-DNA position 1705, G replaced by A.
Protein change: p.Gly569Arg; replaces glycine 569 with arginine.
Molecular consequence: missense variant.
Genome position (GRCh38, 1-based): chr17:61,780,929, C>T on the plus strand (G>A on the coding strand, the complement: BRIP1 is on the minus strand). VCF-style: chr17-61780929-C-T. GRCh37 (hg19) VCF-style: chr17-59858290-C-T.
Other names: short protein forms G569R.
Identifiers: ClinVar variation 3482474 (VCV003482474.1).
Genomic context (GRCh38, chr17:61,780,929, plus strand): 5'-GCACATGAACTGCAGTTTTCTGTCGTGAACGTTTCTTATTTTTTGGTAGAACCAACAACC[C>T]ATTTTTGTCTGAAATATCAATCTGATTTGTCCAGGAGTAAGTCTGTTGAATCGCAATTTT-3'
Protein context (NP_114432.2, residues 559-579): TNQIDISDKN[Gly569Arg]LLVLPKNKKR

ClinVar aggregate classification (germline): Uncertain significance (1 of 4 stars; one submission).

Conditions:
Hereditary cancer-predisposing syndrome. Also called: Tumor predisposition; Neoplastic Syndromes, Hereditary; Hereditary Cancer Syndrome; Hereditary neoplastic syndrome. Identifiers: Orphanet 140162, MedGen C0027672, MeSH D009386, MONDO:0015356.

Submission:

Ambry Genetics
Classification: Uncertain significance for Hereditary cancer-predisposing syndrome. Last evaluated: 2024-11-14. Review status: criteria provided, single submitter. Criteria: Ambry Variant Classification Scheme 2023. Collection method: clinical testing. Allele origin: germline.
Comment: The p.G569R variant (also known as c.1705G>A), located in coding exon 11 of the BRIP1 gene, results from a G to A substitution at nucleotide position 1705. The glycine at codon 569 is replaced by arginine, an amino acid with dissimilar properties. This amino acid position is not well conserved in available vertebrate species. In addition, this alteration is predicted to be tolerated by in silico analysis. Based on the available evidence, the clinical significance of this variant remains unclear.